The following is an entry in ClinVar:

NM_177438.3(DICER1):c.571A>C (p.Lys191Gln)

Gene: DICER1 (dicer 1, ribonuclease III; minus strand). Cytogenetic location: 14q32.13.
Variant type: single nucleotide variant.
Coding change: c.571A>C on transcript NM_177438.3 (MANE Select); coding-DNA position 571, A replaced by C.
Protein change: p.Lys191Gln; replaces lysine 191 with glutamine.
Molecular consequence: missense variant.
Genome position (GRCh38, 1-based): chr14:95,130,060, T>G on the plus strand (A>C on the coding strand, the complement: DICER1 is on the minus strand). VCF-style: chr14-95130060-T-G. GRCh37 (hg19) VCF-style: chr14-95596397-T-G.
Other names: c.571A>C, p.Lys191Gln (NM_001195573.1, NM_001271282.3, NM_001291628.2 and 1 more transcripts); short protein forms K191Q.
Identifiers: ClinVar variation 1341335 (VCV001341335.12), dbSNP rs2140266023, ClinGen allele CA390888331.

ClinVar aggregate classification (germline): Uncertain significance. Review status: criteria provided, multiple submitters, no conflicts (2 of 4 stars). 3 submissions from 3 submitters: Uncertain significance (3). Last evaluated 2022-05-25.

Conditions:
Euthyroid goiter (MNG1). Also called: SIMPLE GOITER; MULTINODULAR GOITER, ADOLESCENT; Goiter, multinodular 1, with or without Sertoli-Leydig cell tumors; GOITER, NONTOXIC, WITH INTRATHYROIDAL CALCIFICATION. Identifiers: Orphanet 276399, MedGen C0302859, MONDO:0007681, OMIM 138800, HP:0009798.
Hereditary cancer-predisposing syndrome. Also called: Hereditary Cancer Syndrome; Neoplastic Syndromes, Hereditary; Tumor predisposition; Hereditary neoplastic syndrome. Identifiers: Orphanet 140162, MedGen C0027672, MeSH D009386, MONDO:0015356.
DICER1-related tumor predisposition. Also called: DICER1 syndrome; DICER1-related pleuropulmonary blastoma cancer predisposition syndrome. Identifiers: Orphanet 284343, MedGen C3839822, MONDO:0100216.

Submissions (3):

Ambry Genetics
Classification: Uncertain significance for Hereditary cancer-predisposing syndrome. Last evaluated: 2022-05-25. Review status: criteria provided, single submitter. Criteria: Ambry Variant Classification Scheme 2023. Collection method: clinical testing. Allele origin: germline.
Comment: The p.K191Q variant (also known as c.571A>C), located in coding exon 4 of the DICER1 gene, results from an A to C substitution at nucleotide position 571. The lysine at codon 191 is replaced by glutamine, an amino acid with similar properties. This amino acid position is conserved. In addition, this alteration is predicted to be tolerated by in silico analysis. Since supporting evidence is limited at this time, the clinical significance of this alteration remains unclear.

Baylor Genetics
Classification: Uncertain significance for Euthyroid goiter. Last evaluated: 2022-01-11. Review status: criteria provided, single submitter. Criteria: ACMG Guidelines, 2015. Collection method: clinical testing. Allele origin: maternal. Affected: yes. Study: CSER-TexasKidsCanSeq.
Comment: This variant was determined to be of uncertain significance according to ACMG Guidelines, 2015 [PMID:25741868].

Labcorp Genetics (formerly Invitae), Labcorp
Classification: Uncertain significance for DICER1-related tumor predisposition. Last evaluated: 2020-11-20. Review status: criteria provided, single submitter. Criteria: Invitae Variant Classification Sherloc (09022015). Collection method: clinical testing. Allele origin: germline.
Comment: In summary, the available evidence is currently insufficient to determine the role of this variant in disease. Therefore, it has been classified as a Variant of Uncertain Significance. Algorithms developed to predict the effect of missense changes on protein structure and function are either unavailable or do not agree on the potential impact of this missense change (SIFT: "Tolerated"; PolyPhen-2: "Possibly Damaging"; Align-GVGD: "Class C0"). This variant has not been reported in the literature in individuals with DICER1-related conditions. This variant is not present in population databases (ExAC no frequency). This sequence change replaces lysine with glutamine at codon 191 of the DICER1 protein (p.Lys191Gln). The lysine residue is highly conserved and there is a small physicochemical difference between lysine and glutamine.